The following is an entry in ClinVar:

NM_001329943.3(KIAA0586):c.3149G>A (p.Arg1050Lys)

Gene: KIAA0586 (KIAA0586; plus strand). Cytogenetic location: 14q23.1.
Variant type: single nucleotide variant.
Coding change: c.3149G>A on transcript NM_001329943.3 (MANE Select); coding-DNA position 3149, G replaced by A.
Protein change: p.Arg1050Lys; replaces arginine 1050 with lysine.
Molecular consequence: missense variant.
Genome position (GRCh38, 1-based): chr14:58,487,011, G>A. VCF-style: chr14-58487011-G-A. GRCh37 (hg19) VCF-style: chr14-58953729-G-A.
Other names: c.3308G>A, p.Arg1103Lys (NM_001244189.2); c.3104G>A, p.Arg1035Lys (NM_001244190.2); c.2894G>A, p.Arg965Lys (NM_001244191.2, NM_001329945.2, NM_001364700.1 and 1 more transcripts); c.3017G>A, p.Arg1006Lys (NM_001244192.2); c.2729G>A, p.Arg910Lys (NM_001244193.2); c.3149G>A, p.Arg1050Lys (NM_001329944.2, NM_001329946.2, NM_001329947.2); c.2921G>A, p.Arg974Lys (NM_014749.5); c.2921G>A (NM_014749.3); short protein forms R1006K, R1050K, R965K, R974K, R1103K, R1035K, R910K.
Identifiers: ClinVar variation 1448358 (VCV001448358.8), dbSNP rs1472123420, ClinGen allele CA389880599.

ClinVar aggregate classification (germline): Uncertain significance. Review status: criteria provided, multiple submitters, no conflicts (2 of 4 stars). 2 submissions from 2 submitters: Uncertain significance (2). Last evaluated 2022-08-31.

Conditions:
Inborn genetic diseases. Identifiers: MedGen C0950123, MeSH D030342.
Joubert syndrome 23 (JBTS23). Identifiers: Orphanet 475, MedGen C4084822, MONDO:0014664, OMIM 616490.
Short-rib thoracic dysplasia 14 with polydactyly (SRTD14). Identifiers: Orphanet 397715, MedGen C4225286, MONDO:0014688, OMIM 616546.

Allele frequency attached by ClinVar (database versions not stated): gnomAD exomes below 0.00001 and 0.00001; TOPMed below 0.00001.
gnomAD v4.1: 11 of 1,593,830 alleles (0.00069%); highest among the groups gnomAD compares: Non-Finnish European, 0.00094%; no homozygotes.

Submissions (2):

Labcorp Genetics (formerly Invitae), Labcorp
Classification: Uncertain significance for Joubert syndrome 23; Short-rib thoracic dysplasia 14 with polydactyly. Last evaluated: 2022-08-31. Review status: criteria provided, single submitter. Criteria: Invitae Variant Classification Sherloc (09022015). Collection method: clinical testing. Allele origin: germline.
Comment: This variant has not been reported in the literature in individuals affected with KIAA0586-related conditions. ClinVar contains an entry for this variant (Variation ID: 1448358). Algorithms developed to predict the effect of missense changes on protein structure and function are either unavailable or do not agree on the potential impact of this missense change (SIFT: "Tolerated"; PolyPhen-2: "Probably Damaging"; Align-GVGD: "Class C0"). In summary, the available evidence is currently insufficient to determine the role of this variant in disease. Therefore, it has been classified as a Variant of Uncertain Significance. This sequence change replaces arginine, which is basic and polar, with lysine, which is basic and polar, at codon 1103 of the KIAA0586 protein (p.Arg1103Lys). This variant is present in population databases (no rsID available, gnomAD 0.0009%).

Ambry Genetics
Classification: Uncertain significance for Inborn genetic diseases. Last evaluated: 2021-09-01. Review status: criteria provided, single submitter. Criteria: Ambry Variant Classification Scheme 2023. Collection method: clinical testing. Allele origin: germline.